The following is an entry in ClinVar:

ClinVar aggregate classification (germline): Benign/Likely benign. Review status: criteria provided, multiple submitters, no conflicts (2 of 4 stars). 2 submissions from 2 submitters: Benign (1); Likely benign (1). Last evaluated 2024-06-21.

Conditions:
Familial cancer of breast. Also called: Hereditary breast cancer; hereditary breast carcinoma; BREAST CANCER, FAMILIAL. Identifiers: Orphanet 227535, MedGen C0346153, MONDO:0016419, OMIM 114480. Disease mechanism: loss of function.
Hereditary cancer-predisposing syndrome. Also called: Hereditary neoplastic syndrome; Neoplastic Syndromes, Hereditary; Tumor predisposition; Hereditary Cancer Syndrome. Identifiers: Orphanet 140162, MedGen C0027672, MeSH D009386, MONDO:0015356.

Allele frequency attached by ClinVar (database versions not stated): gnomAD exomes below 0.00001.
gnomAD v4.1: 1 of 1,613,420 alleles (0.000062%); highest among the groups gnomAD compares: Non-Finnish European, 0.000085%; no homozygotes.

Submissions (2):

Myriad Genetics, Inc.
Classification: Benign for Familial cancer of breast. Last evaluated: 2024-06-21. Review status: criteria provided, single submitter. Criteria: Myriad Autosomal Dominant, Autosomal Recessive and X-Linked Classification Criteria (2023). Collection method: clinical testing. Allele origin: unknown.
Comment: This variant is considered benign. This variant is a silent/synonymous amino acid change and it is not expected to impact splicing.

Ambry Genetics
Classification: Likely benign for Hereditary cancer-predisposing syndrome. Last evaluated: 2021-10-10. Review status: criteria provided, single submitter. Criteria: Ambry Variant Classification Scheme 2023. Collection method: clinical testing. Allele origin: germline.

NM_000051.4(ATM):c.8836T>C (p.Leu2946=)

Genes: C11orf65 (chromosome 11 open reading frame 65; minus strand), ATM (ATM serine/threonine kinase; plus strand). Cytogenetic location: 11q22.3.
Variant type: single nucleotide variant.
Coding change: c.8836T>C on transcript NM_000051.4 (MANE Select); coding-DNA position 8836, T replaced by C.
Protein change: p.Leu2946=; no amino-acid change (leucine 2946 retained).
Molecular consequence: synonymous variant. On other transcripts: intron variant (2).
Genome position (GRCh38, 1-based): chr11:108,354,860, T>C. VCF-style: chr11-108354860-T-C. GRCh37 (hg19) VCF-style: chr11-108225587-T-C.
Other names: c.8836T>C, p.Leu2946= (NM_001351834.2); c.640+31060A>G (NM_001330368.2); c.695-19568A>G (NM_001351110.2).
Identifiers: ClinVar variation 1764828 (VCV001764828.3), dbSNP rs2137352591, ClinGen allele CA476674100.
Genomic context (GRCh38, chr11:108,354,860, plus strand): 5'-TTTGACTCTAGATGCTGTGAGAAAACCATGGAAGTGATGAGAAACTCTCAGGAAACTCTG[T>C]TAACCATTGTAGAGGTAAAGTATTTTATAAGGAAGACTTTATTTTTTTTCTTACCAGGTA-3'
Protein context (NP_000042.3, residues 2936-2956): EVMRNSQETL[Leu2946=]TIVEVLLYDP